The following is an entry in ClinVar:

ClinVar aggregate classification (germline): Pathogenic. Review status: criteria provided, multiple submitters, no conflicts (2 of 4 stars). 2 submissions from 2 submitters: Pathogenic (2). Last evaluated 2026-05-31.

Conditions:
Hereditary cancer-predisposing syndrome. Also called: Hereditary Cancer Syndrome; Neoplastic Syndromes, Hereditary; Tumor predisposition; Hereditary neoplastic syndrome. Identifiers: Orphanet 140162, MedGen C0027672, MeSH D009386, MONDO:0015356.
Hereditary nonpolyposis colorectal neoplasms. Identifiers: MedGen C0009405, MeSH D003123.

Submissions (2):

Ambry Genetics
Classification: Pathogenic for Hereditary cancer-predisposing syndrome. Last evaluated: 2026-05-31. Review status: criteria provided, single submitter. Criteria: Ambry Variant Classification Scheme 2023. Collection method: clinical testing. Allele origin: germline.
Comment: The c.1885delA pathogenic mutation, located in coding exon 11 of the PMS2 gene, results from a deletion of one nucleotide at nucleotide position 1885, causing a translational frameshift with a predicted alternate stop codon (p.I629*). This variant is considered to be rare based on population cohorts in the Genome Aggregation Database (gnomAD). This alteration is expected to result in loss of function by premature protein truncation or nonsense-mediated mRNA decay. As such, this alteration is interpreted as a disease-causing mutation.

Labcorp Genetics (formerly Invitae), Labcorp
Classification: Pathogenic for Hereditary nonpolyposis colorectal neoplasms. Last evaluated: 2021-03-22. Review status: criteria provided, single submitter. Criteria: Invitae Variant Classification Sherloc (09022015). Collection method: clinical testing. Allele origin: germline.
Comment: For these reasons, this variant has been classified as Pathogenic. This variant has not been reported in the literature in individuals with PMS2-related conditions. ClinVar contains an entry for this variant (Variation ID: 936173). This variant is not present in population databases (ExAC no frequency). This sequence change creates a premature translational stop signal (p.Ile629*) in the PMS2 gene. It is expected to result in an absent or disrupted protein product. Loss-of-function variants in PMS2 are known to be pathogenic (PMID: 21376568, 24362816).

Literature cited by the submitters: PubMed 21376568 (cited by Labcorp Genetics (formerly Invitae), Labcorp); PubMed 24362816 (cited by Labcorp Genetics (formerly Invitae), Labcorp).

NM_000535.7(PMS2):c.1885del (p.Arg628_Ile629insTer)

Gene: PMS2 (PMS1 homolog 2, mismatch repair system component; minus strand). Cytogenetic location: 7p22.1.
Variant type: Deletion.
Coding change: c.1885del on transcript NM_000535.7 (MANE Select); coding-DNA position 1885, one base deleted (A; older notation c.1885delA).
Protein change: p.Arg628_Ile629insTer.
Molecular consequence: nonsense. On other transcripts: non-coding transcript variant (1).
Genome position (GRCh38, 1-based): chr7:5,986,880, T deleted on the plus strand (A on the coding strand, the reverse complement: PMS2 is on the minus strand); the first of 2 consecutive T bases (chr7:5,986,880-5,986,881); deleting either gives the same sequence. VCF-style (leftmost placement, unchanged base first): chr7-5986879-AT-A. GRCh37 (hg19) VCF-style: chr7-6026510-AT-A.
Other names: c.1885delA (NM_000535.5); c.1480del, p.Arg493_Ile494insTer (NM_001322003.2, NM_001322004.2, NM_001322005.2 and 1 more transcripts); c.1729del, p.Arg576_Ile577insTer (NM_001322006.2); c.1567del, p.Arg522_Ile523insTer (NM_001322007.2, NM_001322008.2); c.1324del, p.Arg441_Ile442insTer (NM_001322010.2); c.952del, p.Arg317_Ile318insTer (NM_001322011.2, NM_001322012.2); c.1312del, p.Arg437_Ile438insTer (NM_001322013.2); c.1885del, p.Arg628_Ile629insTer (NM_001322014.2); and 1 more.
Identifiers: ClinVar variation 936173 (VCV000936173.8), dbSNP rs1782949480, ClinGen allele CA1139659553.